The following is an entry in ClinVar:

NM_001048174.2(MUTYH):c.134_137dup (p.Val47fs)

Gene: MUTYH (mutY DNA glycosylase; minus strand). Cytogenetic location: 1p34.1.
Variant type: Duplication.
Coding change: c.134_137dup on transcript NM_001048174.2 (MANE Select); coding-DNA positions 134 to 137, 4 bases duplicated (AAGA; older notation c.134_137dupAAGA).
Protein change: p.Val47fs; shifts the reading frame from valine 47.
Molecular consequence: frameshift variant. On other transcripts: 5 prime UTR variant (1), non-coding transcript variant (5), intron variant (5).
Genome position (GRCh38, 1-based): chr1:45,333,540-45,333,543, TCTT duplicated on the plus strand (AAGA on the coding strand, the reverse complement: MUTYH is on the minus strand). VCF-style (leftmost placement, unchanged base first): chr1-45333539-C-CTCTT. GRCh37 (hg19) VCF-style: chr1-45799211-C-CTCTT.
Other names: c.134_137dup, p.Val47fs (NM_001048171.2, NM_001048173.2, NM_001293195.2 and 6 more transcripts); c.137_140dup, p.Val48fs (NM_001048172.2, NM_001407071.1, NM_001407078.1 and 2 more transcripts); c.218_221dup, p.Val75fs (NM_001128425.2); c.179_182dup, p.Val62fs (NM_001293190.2); c.167_170dup, p.Val58fs (NM_001293191.2, NM_001407077.1); c.-138_-135dup (NM_001350650.2); c.209_212dup, p.Val72fs (NM_001407069.1, NM_012222.3); c.176_179dup, p.Val61fs (NM_001407073.1, NM_001407083.1, NM_001407085.1); and 4 more; short protein forms V19fs, V47fs, V48fs, V54fs, V58fs, V61fs, V62fs, V72fs.
Identifiers: ClinVar variation 4294279 (VCV004294279.1).

ClinVar aggregate classification (germline): Pathogenic (1 of 4 stars; one submission).

Conditions:
Familial adenomatous polyposis 2. Also called: MUTYH-associated polyposis; MUTYH-related attenuated familial adenomatous polyposis; FAP type 2; MYH-associated polyposis; MUTYH Polyposis; COLORECTAL ADENOMATOUS POLYPOSIS, AUTOSOMAL RECESSIVE. Identifiers: Orphanet 220460, Orphanet 247798, MedGen C3272841, MONDO:0012041, OMIM 608456.

Submission:

Myriad Genetics, Inc.
Classification: Pathogenic for Familial adenomatous polyposis 2. Last evaluated: 2025-09-30. Review status: criteria provided, single submitter. Criteria: Myriad Autosomal Dominant, Autosomal Recessive and X-Linked Classification Criteria (2023). Collection method: clinical testing. Allele origin: unknown.
Comment: This variant is considered pathogenic. This variant creates a frameshift predicted to result in premature protein truncation.